The following is an entry in ClinVar:

ClinVar aggregate classification (germline): Pathogenic/Likely pathogenic. Review status: criteria provided, multiple submitters, no conflicts (2 of 4 stars). 7 submissions from 7 submitters: Pathogenic (4); Likely pathogenic (2). 1 of the submissions does not count toward it. Last evaluated 2026-04-22.

Conditions:
RP1-related disorder. Also called: RP1-related condition.
Retinitis pigmentosa (RP). Identifiers: Orphanet 791, MedGen C0035334, MeSH D012174, MONDO:0019200, OMIM 268000. Inheritance: Autosomal dominant, autosomal recessive and X linked inheritance.
Autosomal recessive retinitis pigmentosa. Identifiers: MedGen C0339526.

Submissions (7):

PreventionGenetics, part of Exact Sciences
Classification: Pathogenic for RP1-related condition. Last evaluated: 2026-04-22. Review status: criteria provided, single submitter. Criteria: ACMG Guidelines, 2015. Collection method: clinical testing. Allele origin: germline.
Comment: The RP1 c.1719_1723del5 variant is predicted to result in a frameshift and premature protein termination (p.Ser574Cysfs*7). This variant has been reported in the homozygous state or along with a second causative RP1 variant in multiple individuals with retinal disease (for example, El Shamieh et al. 2015. PubMed ID: 25692139; Table S2, Zampaglione et al. 2020. PubMed ID: 32037395; Table S4, Panneman et al 2023. PubMed ID: 36819107). This variant is reported in 0.016% of alleles in individuals of African descent in gnomAD. Frameshift variants in this region of RP1 are an established mechanism of autosomal recessive disease (Wang et al. 2021. PubMed ID: 33681214). This variant is interpreted as pathogenic for autosomal recessive disease.

Labcorp Genetics (formerly Invitae), Labcorp
Classification: Pathogenic. Last evaluated: 2025-11-18. Review status: criteria provided, single submitter. Criteria: Invitae Variant Classification Sherloc (09022015). Collection method: clinical testing. Allele origin: germline.
Comment: This sequence change creates a premature translational stop signal (p.Ser574Cysfs*7) in the RP1 gene. While this is not anticipated to result in nonsense mediated decay, it is expected to disrupt the last 1583 amino acid(s) of the RP1 protein. This variant is present in population databases (rs750542962, gnomAD 0.02%). This premature translational stop signal has been observed in individual(s) with autosomal recessive or sporadic retinitis pigmentosa (PMID: 25692139, 26355662; internal data). In at least one individual the data is consistent with being in trans (on the opposite chromosome) from a pathogenic variant. ClinVar contains an entry for this variant (Variation ID: 191341). This variant disrupts the C-terminus of the RP1 protein. Many variants that disrupt this region have been reported in individuals with either autosomal dominant or autosomal recessive retinitis pigmentosa (PMID: 11527933, 19933189, 29425069, 30027431, 33681214). Therefore, variants that disrupt this region are expected to be disease-causing. For these reasons, this variant has been classified as Pathogenic.

Blueprint Genetics
Classification: Pathogenic for RP1-related disorders. Last evaluated: 2024-03-19. Review status: criteria provided, single submitter. Criteria: ACMG Guidelines, 2015. Collection method: clinical testing. Allele origin: germline. Affected: yes. Observed: 5 variant alleles.

Ophthalmic Genetics Group, Institute of Molecular and Clinical Ophthalmology Basel
Classification: Pathogenic for Retinitis pigmentosa. Last evaluated: 2023-07-24. Review status: criteria provided, single submitter. Criteria: ACMG Guidelines, 2015. Collection method: research. Allele origin: germline. Affected: yes. Observed: 1 variant allele.
Comment: Clinical significance based on ACMG v2.0

This variant was classified as Pathogenic based on ACMG criteria: PP5, PVS1, PM2.

GeneDx
Classification: Likely pathogenic. Last evaluated: 2019-12-24. Review status: criteria provided, single submitter. Criteria: GeneDx Variant Classification Process June 2021. Collection method: clinical testing. Allele origin: germline. Affected: yes.
Comment: Frameshift variant in the C-terminus predicted to result in protein truncation, as the last 1583 amino acids are lost and replaced with 6 incorrect amino acids; This variant is associated with the following publications: (PMID: 25692139, 26355662)

Genomic Medicine Center of Excellence, King Faisal Specialist Hospital and Research Centre
Classification: Likely pathogenic. Review status: criteria provided, single submitter. Criteria: ACMG Guidelines, 2015. Collection method: research. Allele origin: germline. Affected: yes.

Faculty of Health Sciences, Beirut Arab University
Classification: Pathogenic for Autosomal recessive Retinitis Pigmentosa. Last evaluated: 2015-09-10. Review status: no assertion criteria provided. Collection method: literature only. Allele origin: germline. Affected: yes. Observed: 1 variant allele. Not counted in ClinVar's aggregate classification.

Literature cited by the submitters: PubMed 25692139 (cited by Labcorp Genetics (formerly Invitae), Labcorp); PubMed 26355662 (cited by Labcorp Genetics (formerly Invitae), Labcorp and Faculty of Health Sciences, Beirut Arab University); PubMed 11527933 (cited by Labcorp Genetics (formerly Invitae), Labcorp); PubMed 19933189 (cited by Labcorp Genetics (formerly Invitae), Labcorp); PubMed 29425069 (cited by Labcorp Genetics (formerly Invitae), Labcorp); PubMed 30027431 (cited by Labcorp Genetics (formerly Invitae), Labcorp); PubMed 33681214 (cited by Labcorp Genetics (formerly Invitae), Labcorp); PubMed 36909829 (cited by Ophthalmic Genetics Group, Institute of Molecular and Clinical Ophthalmology Basel).

NM_006269.2(RP1):c.1719_1723del (p.Ser574fs)

Gene: RP1 (RP1 axonemal microtubule associated; plus strand). Cytogenetic location: 8q12.1.
Variant type: Deletion.
Coding change: c.1719_1723del on transcript NM_006269.2 (MANE Select); coding-DNA positions 1719 to 1723, 5 bases deleted (CTCAA; older notation c.1719_1723delCTCAA).
Protein change: p.Ser574fs; shifts the reading frame from serine 574.
Molecular consequence: frameshift variant.
Genome position (GRCh38, 1-based): chr8:54,625,601-54,625,605, CTCAA deleted; deleting any 5 consecutive bases within chr8:54,625,599-54,625,605 gives the same sequence; the c. name uses the placement nearest the transcript's 3' end. VCF-style (leftmost placement, unchanged base first): chr8-54625598-TAACTC-T. GRCh37 (hg19) VCF-style: chr8-55538158-TAACTC-T.
Other names: NC_000008.10:g.55538161_55538165del; NP_006260.1:p.(Ser574CysfsTer7); c.1719_1723del (NM_006269.1); c.1719_1723del5 (NM_006269.1); short protein forms S574fs.
Identifiers: ClinVar variation 191341 (VCV000191341.17), dbSNP rs750542962, ClinGen allele CA236463.